The following is an entry in ClinVar:

NM_000245.4(MET):c.1447T>C (p.Ser483Pro)

Gene: MET (MET proto-oncogene, receptor tyrosine kinase; plus strand). Cytogenetic location: 7q31.2.
Variant type: single nucleotide variant.
Coding change: c.1447T>C on transcript NM_000245.4 (MANE Select); coding-DNA position 1447, T replaced by C.
Protein change: p.Ser483Pro; replaces serine 483 with proline.
Molecular consequence: missense variant.
Genome position (GRCh38, 1-based): chr7:116,740,004, T>C. VCF-style: chr7-116740004-T-C. GRCh37 (hg19) VCF-style: chr7-116380058-T-C.
Other names: c.1447T>C, p.Ser483Pro (NM_001127500.3, NM_001324401.3); c.157T>C, p.Ser53Pro (NM_001324402.2); short protein forms S53P, S483P.
Identifiers: ClinVar variation 665953 (VCV000665953.13), dbSNP rs1584922011, ClinGen allele CA368974113.

ClinVar aggregate classification (germline): Conflicting classifications of pathogenicity. Review status: criteria provided, conflicting classifications (1 of 4 stars). 2 submissions from 2 submitters: Uncertain significance (1); Likely benign (1). Last evaluated 2025-06-13.

Conditions:
Renal cell carcinoma. Identifiers: Orphanet 217071, MedGen C0007134, MeSH D002292, MONDO:0005086, HP:0005584.
Hereditary cancer-predisposing syndrome. Also called: Tumor predisposition; Hereditary neoplastic syndrome; Neoplastic Syndromes, Hereditary; Hereditary Cancer Syndrome. Identifiers: Orphanet 140162, MedGen C0027672, MeSH D009386, MONDO:0015356.

Allele frequency attached by ClinVar (database versions not stated): gnomAD exomes below 0.00001.
gnomAD v4.1: 1 of 1,614,148 alleles (0.000062%); highest among the groups gnomAD compares: Non-Finnish European, 0.000085%; no homozygotes.

Submissions (2):

Ambry Genetics
Classification: Likely benign for Hereditary cancer-predisposing syndrome. Last evaluated: 2025-06-13. Review status: criteria provided, single submitter. Criteria: Ambry Variant Classification Scheme 2023. Collection method: clinical testing. Allele origin: germline.

Labcorp Genetics (formerly Invitae), Labcorp
Classification: Uncertain significance for Renal cell carcinoma. Last evaluated: 2021-03-17. Review status: criteria provided, single submitter. Criteria: Invitae Variant Classification Sherloc (09022015). Collection method: clinical testing. Allele origin: germline.
Comment: This variant has not been reported in the literature in individuals with MET-related disease. This variant is not present in population databases (ExAC no frequency). This sequence change replaces serine with proline at codon 483 of the MET protein (p.Ser483Pro). The serine residue is moderately conserved and there is a moderate physicochemical difference between serine and proline. Algorithms developed to predict the effect of missense changes on protein structure and function are either unavailable or do not agree on the potential impact of this missense change (SIFT: "Tolerated"; PolyPhen-2: "Probably Damaging"; Align-GVGD: "Class C0"). In summary, the available evidence is currently insufficient to determine the role of this variant in disease. Therefore, it has been classified as a Variant of Uncertain Significance.